The following is an entry in ClinVar:

ClinVar aggregate classification (germline): Conflicting classifications of pathogenicity. Review status: criteria provided, conflicting classifications (1 of 4 stars). 8 submissions from 7 submitters: Uncertain significance (2); Likely benign (6). Last evaluated 2026-06-18.

Conditions:
Hereditary cancer-predisposing syndrome. Also called: Neoplastic Syndromes, Hereditary; Tumor predisposition; Hereditary Cancer Syndrome; Hereditary neoplastic syndrome. Identifiers: Orphanet 140162, MedGen C0027672, MeSH D009386, MONDO:0015356.
Holoprosencephaly 7 (HPE7). Identifiers: Orphanet 2162, MedGen C1835820, MONDO:0012562, OMIM 610828.
Gorlin syndrome. Also called: Nevoid Basal Cell Carcinoma Syndrome; Basal cell nevus syndrome. Identifiers: Orphanet 377, MedGen C0004779, MONDO:0007187.
PTCH1-related disorder. Also called: PTCH1-related disorders; PTCH1-related condition.

Allele frequency attached by ClinVar (database versions not stated): ExAC 0.00002; gnomAD exomes 0.00003; gnomAD 0.00009; TOPMed 0.00013.
gnomAD v4.1: 43 of 1,614,060 alleles (0.0027%); highest among the groups gnomAD compares: African/African-American, 0.024%; no homozygotes.

Submissions (8):

PreventionGenetics, part of Exact Sciences
Classification: Likely benign for PTCH1-related condition. Last evaluated: 2026-06-18. Review status: criteria provided, single submitter. Criteria: ACMG Guidelines, 2015. Collection method: clinical testing. Allele origin: germline.
Comment: This variant is classified as likely benign based on ACMG/AMP sequence variant interpretation guidelines (Richards et al. 2015 PMID: 25741868, with internal and published modifications).

Labcorp Genetics (formerly Invitae), Labcorp
Classification: Likely benign for Gorlin syndrome. Last evaluated: 2026-01-26. Review status: criteria provided, single submitter. Criteria: Invitae Variant Classification Sherloc (09022015). Collection method: clinical testing. Allele origin: germline.

Quest Diagnostics Nichols Institute San Juan Capistrano
Classification: Likely benign. Last evaluated: 2025-02-28. Review status: criteria provided, single submitter. Criteria: Quest Diagnostics criteria. Collection method: clinical testing. Allele origin: unknown.

Dasa
Classification: Uncertain significance. Last evaluated: 2024-08-27. Review status: criteria provided, single submitter. Criteria: DASA Assertion Criteria. Collection method: clinical testing. Allele origin: germline.
Comment: NM_000264.5(PTCH1):c.2333C>T (p.Thr778Met) is a missense variant that results in the substitution of threonine with methionine. This variant is rare in population databases. Computational prediction algorithms are consistent with a deleterious effect. The currently available literature and clinical evidence are not sufficient to establish a definitive association between this variant and the reported condition. Therefore, this variant is classified as a variant of uncertain significance.

GeneDx
Classification: Uncertain significance. Last evaluated: 2024-08-23. Review status: criteria provided, single submitter. Criteria: GeneDx Variant Classification Process June 2021. Collection method: clinical testing. Allele origin: germline. Affected: yes.
Comment: In silico analysis supports that this missense variant has a deleterious effect on protein structure/function; Observed in an individual with Differences of Sex Development (DSD) undergoing whole exome sequencing (PMID: 35432193); This variant is associated with the following publications: (PMID: 8906794, 35432193)

Ambry Genetics
Classification: Likely benign for Hereditary cancer-predisposing syndrome. Last evaluated: 2023-03-07. Review status: criteria provided, single submitter. Criteria: Ambry Variant Classification Scheme 2023. Collection method: clinical testing. Allele origin: germline.

Illumina Laboratory Services, Illumina
Classification: Likely benign for Holoprosencephaly 7. Last evaluated: 2018-01-13. Review status: criteria provided, single submitter. Criteria: ICSL Variant Classification Criteria 13 December 2019. Collection method: clinical testing. Allele origin: germline.
Comment: This variant was observed in the ICSL laboratory as part of a predisposition screen in an ostensibly healthy population. It had not been previously curated by ICSL or reported in the Human Gene Mutation Database (HGMD: prior to June 1st, 2018), and was therefore a candidate for classification through an automated scoring system. Utilizing variant allele frequency, disease prevalence and penetrance estimates, and inheritance mode, an automated score was calculated to assess if this variant is too frequent to cause the disease. Based on the score and internal cut-off values, a variant classified as likely benign is not then subjected to further curation. The score for this variant resulted in a classification of likely benign for this disease.

Illumina Laboratory Services, Illumina
Classification: Likely benign for Basal cell nevus syndrome 1. Last evaluated: 2018-01-13. Review status: criteria provided, single submitter. Criteria: ICSL Variant Classification Criteria 13 December 2019. Collection method: clinical testing. Allele origin: germline.
Comment: the same text as in the submission from Illumina Laboratory Services, Illumina above.

NM_000264.5(PTCH1):c.2333C>T (p.Thr778Met)

Genes: PTCH1 (patched 1; minus strand), LOC100507346 (uncharacterized LOC100507346; plus strand). Cytogenetic location: 9q22.32.
Variant type: single nucleotide variant.
Coding change: c.2333C>T on transcript NM_000264.5 (MANE Select); coding-DNA position 2333, C replaced by T.
Protein change: p.Thr778Met; replaces threonine 778 with methionine.
Molecular consequence: missense variant. On other transcripts: non-coding transcript variant (1).
Genome position (GRCh38, 1-based): chr9:95,467,343, G>A on the plus strand (C>T on the coding strand, the complement: PTCH1 is on the minus strand). VCF-style: chr9-95467343-G-A. GRCh37 (hg19) VCF-style: chr9-98229625-G-A.
Other names: c.2135C>T, p.Thr712Met (NM_001083602.3); c.2330C>T, p.Thr777Met (NM_001083603.3); c.1880C>T, p.Thr627Met (NM_001083604.3, NM_001083605.3, NM_001083606.3 and 1 more transcripts); c.2177C>T, p.Thr726Met (NM_001354918.2); c.2333C>T (NM_000264.4); short protein forms T712M, T778M, T726M, T627M, T777M.
Identifiers: ClinVar variation 409136 (VCV000409136.26), dbSNP rs747762028, ClinGen allele CA5138410.
Genomic context (GRCh38, chr9:95,467,343, plus strand): 5'-AAGTATTTGAATTGTGCAGCAATAAAGTCATATTCTCTGGTTTCCCGAGGTACAATGTCC[G>A]TAAGGTCCAGCCCGTCTCTCACTCGGGTGGTGCCATAAAGGCTGACCCCCAGCAAGCCCA-3'
Protein context (NP_000255.2, residues 768-788): TTRVRDGLDL[Thr778Met]DIVPRETREY